The following is an entry in ClinVar:

ClinVar aggregate classification (germline): Uncertain significance (1 of 4 stars; one submission).

gnomAD v4.1: 1 of 1,614,072 alleles (0.000062%); no homozygotes.

Submission:

Labcorp Genetics (formerly Invitae), Labcorp
Classification: Uncertain significance. Last evaluated: 2023-04-27. Review status: criteria provided, single submitter. Criteria: Invitae Variant Classification Sherloc (09022015). Collection method: clinical testing. Allele origin: germline.
Comment: This sequence change replaces serine, which is neutral and polar, with cysteine, which is neutral and slightly polar, at codon 2099 of the TRRAP protein (p.Ser2099Cys). This variant is not present in population databases (gnomAD no frequency). This variant has not been reported in the literature in individuals affected with TRRAP-related conditions. Advanced modeling of protein sequence and biophysical properties (such as structural, functional, and spatial information, amino acid conservation, physicochemical variation, residue mobility, and thermodynamic stability) performed at Invitae indicates that this missense variant is not expected to disrupt TRRAP protein function. In summary, the available evidence is currently insufficient to determine the role of this variant in disease. Therefore, it has been classified as a Variant of Uncertain Significance.

NM_001375524.1(TRRAP):c.6371C>G (p.Ser2124Cys)

Gene: TRRAP (transformation/transcription domain associated protein; plus strand). Cytogenetic location: 7q22.1.
Variant type: single nucleotide variant.
Coding change: c.6371C>G on transcript NM_001375524.1 (MANE Select); coding-DNA position 6371, C replaced by G.
Protein change: p.Ser2124Cys; replaces serine 2124 with cysteine.
Molecular consequence: missense variant.
Genome position (GRCh38, 1-based): chr7:98,959,372, C>G. VCF-style: chr7-98959372-C-G. GRCh37 (hg19) VCF-style: chr7-98556995-C-G.
Other names: c.6350C>G, p.Ser2117Cys (NM_001244580.2); c.6296C>G, p.Ser2099Cys (NM_003496.4); short protein forms S2124C, S2117C, S2099C.
Identifiers: ClinVar variation 2856306 (VCV002856306.3), dbSNP rs997438400, ClinGen allele CA163059004.